The following is an entry in ClinVar:

ClinVar aggregate classification (germline): Uncertain significance (1 of 4 stars; one submission).

gnomAD v4.1: 3 of 1,614,042 alleles (0.00019%); highest among the groups gnomAD compares: Non-Finnish European, 0.00025%; no homozygotes.

Submission:

Mayo Clinic Laboratories, Mayo Clinic
Classification: Uncertain significance. Last evaluated: 2025-06-27. Review status: criteria provided, single submitter. Criteria: ACMG Guidelines, 2015. Collection method: clinical testing. Allele origin: germline. Observed: 1 variant allele.
Comment: BP4

NM_000507.4(FBP1):c.964C>G (p.Pro322Ala)

Gene: FBP1 (fructose-bisphosphatase 1; minus strand). Cytogenetic location: 9q22.32.
Variant type: single nucleotide variant.
Coding change: c.964C>G on transcript NM_000507.4 (MANE Select); coding-DNA position 964, C replaced by G.
Protein change: p.Pro322Ala; replaces proline 322 with alanine.
Molecular consequence: missense variant.
Genome position (GRCh38, 1-based): chr9:94,603,434, G>C on the plus strand (C>G on the coding strand, the complement: FBP1 is on the minus strand). VCF-style: chr9-94603434-G-C. GRCh37 (hg19) VCF-style: chr9-97365716-G-C.
Other names: p.Pro322Ala; c.964C>G, p.Pro322Ala (NM_001127628.2); short protein forms P322A.
Identifiers: ClinVar variation 4541455 (VCV004541455.1).